The following is an entry in ClinVar:

NM_005633.4(SOS1):c.107C>T (p.Pro36Leu)

Gene: SOS1 (SOS Ras/Rac guanine nucleotide exchange factor 1; minus strand). Cytogenetic location: 2p22.1.
Variant type: single nucleotide variant.
Coding change: c.107C>T on transcript NM_005633.4 (MANE Select); coding-DNA position 107, C replaced by T.
Protein change: p.Pro36Leu; replaces proline 36 with leucine.
Molecular consequence: missense variant.
Genome position (GRCh38, 1-based): chr2:39,067,734, G>A on the plus strand (C>T on the coding strand, the complement: SOS1 is on the minus strand). VCF-style: chr2-39067734-G-A. GRCh37 (hg19) VCF-style: chr2-39294875-G-A.
Other names: c.107C>T, p.Pro36Leu (NM_001382395.1); c.86C>T, p.Pro29Leu (NM_001382394.1); short protein forms P29L, P36L.
Identifiers: ClinVar variation 1308374 (VCV001308374.4), dbSNP rs2148140667, ClinGen allele CA346374328.

ClinVar aggregate classification (germline): Uncertain significance (1 of 4 stars; one submission).

Submission:

GeneDx
Classification: Uncertain significance. Last evaluated: 2025-11-16. Review status: criteria provided, single submitter. Criteria: GeneDx Variant Classification Process June 2021. Collection method: clinical testing. Allele origin: germline. Affected: yes.
Comment: Not observed at significant frequency in large population cohorts (gnomAD); Missense variants in this gene are a common cause of disease and they are underrepresented in the general population; In silico analysis supports that this missense variant has a deleterious effect on protein structure/function; Has not been previously published as pathogenic or benign to our knowledge; This variant is associated with the following publications: (PMID: 29493581)